The following is an entry in ClinVar:

ClinVar aggregate classification (germline): Uncertain significance (1 of 4 stars; one submission).

Conditions:
Developmental and epileptic encephalopathy, 30 (DEE30). Also called: Epileptic encephalopathy, early infantile, 30. Identifiers: MedGen C4225360, MONDO:0014595, OMIM 616341.

Allele frequency attached by ClinVar (database versions not stated): ExAC 0.00001; gnomAD exomes 0.00003.

Submission:

Labcorp Genetics (formerly Invitae), Labcorp
Classification: Uncertain significance for Developmental and epileptic encephalopathy, 30. Last evaluated: 2026-01-12. Review status: criteria provided, single submitter. Criteria: Invitae Variant Classification Sherloc (09022015). Collection method: clinical testing. Allele origin: germline.
Comment: This sequence change replaces glycine, which is neutral and non-polar, with aspartic acid, which is acidic and polar, at codon 17 of the SIK1 protein (p.Gly17Asp). This variant is present in population databases (rs761039038, gnomAD 0.01%). This variant has not been reported in the literature in individuals affected with SIK1-related conditions. ClinVar contains an entry for this variant (Variation ID: 861188). Invitae Evidence Modeling of protein sequence and biophysical properties (such as structural, functional, and spatial information, amino acid conservation, physicochemical variation, residue mobility, and thermodynamic stability) indicates that this missense variant is not expected to disrupt SIK1 protein function with a negative predictive value of 95%. In summary, the available evidence is currently insufficient to determine the role of this variant in disease. Therefore, it has been classified as a Variant of Uncertain Significance.

NM_173354.5(SIK1):c.50G>A (p.Gly17Asp)

Gene: SIK1 (salt inducible kinase 1; minus strand). Cytogenetic location: 21q22.3.
Variant type: single nucleotide variant.
Coding change: c.50G>A on transcript NM_173354.5 (MANE Select); coding-DNA position 50, G replaced by A.
Protein change: p.Gly17Asp; replaces glycine 17 with aspartic acid.
Molecular consequence: missense variant.
Genome position (GRCh38, 1-based): chr21:43,426,129, C>T on the plus strand (G>A on the coding strand, the complement: SIK1 is on the minus strand). VCF-style: chr21-43426129-C-T. GRCh37 (hg19) VCF-style: chr21-44846009-C-T.
Other names: short protein forms G17D.
Identifiers: ClinVar variation 861188 (VCV000861188.10), dbSNP rs761039038, ClinGen allele CA321330046.
Genomic context (GRCh38, chr21:43,426,129, plus strand): 5'-TTGCCTTTGCCCAGGGTCCGCTCGATGTCGTAAAAACCCACCCGGAGGGGCTTCTGCTGG[C>T]CCTGACCCTGGCCCGCGGGGTCCGCGCTGAACTCCGACATGATAACCATGGCTCCGCGCG-3'
Protein context (NP_775490.2, residues 7-27): FSADPAGQGQ[Gly17Asp]QQKPLRVGFY